The following is an entry in ClinVar:

ClinVar aggregate classification (germline): Pathogenic (1 of 4 stars; one submission).

Conditions:
Leber congenital amaurosis 1 (LCA1). Also called: Congenital absence of the rods and cones; Leber's congenital tapetoretinal degeneration; Leber's congenital tapetoretinal dysplasia; AMAUROSIS CONGENITA OF LEBER I; RETINAL BLINDNESS, CONGENITAL. Identifiers: Orphanet 65, MedGen C2931258, MONDO:0008764, OMIM 204000.
Cone-rod dystrophy 6 (CORD6). Also called: Cone dystrophy progressive; RETINAL CONE DYSTROPHY 2. Identifiers: Orphanet 1872, MedGen C1866293, MONDO:0011143, OMIM 601777.

Submission:

Labcorp Genetics (formerly Invitae), Labcorp
Classification: Pathogenic for Leber congenital amaurosis 1; Cone-rod dystrophy 6. Last evaluated: 2023-07-06. Review status: criteria provided, single submitter. Criteria: Invitae Variant Classification Sherloc (09022015). Collection method: clinical testing. Allele origin: germline.
Comment: For these reasons, this variant has been classified as Pathogenic. This variant has not been reported in the literature in individuals affected with GUCY2D-related conditions. This variant is not present in population databases (gnomAD no frequency). This sequence change creates a premature translational stop signal (p.Glu837Serfs*29) in the GUCY2D gene. It is expected to result in an absent or disrupted protein product. Loss-of-function variants in GUCY2D are known to be pathogenic (PMID: 10951519, 11328726).

Literature cited by the submitters: PubMed 10951519; PubMed 11328726.

NM_000180.4(GUCY2D):c.2509del (p.Glu837fs)

Gene: GUCY2D (guanylate cyclase 2D, retinal; plus strand). Cytogenetic location: 17p13.1.
Variant type: Deletion.
Coding change: c.2509del on transcript NM_000180.4 (MANE Select); coding-DNA position 2509, one base deleted (G; older notation c.2509delG).
Protein change: p.Glu837fs; shifts the reading frame from glutamic acid 837.
Molecular consequence: frameshift variant.
Genome position (GRCh38, 1-based): chr17:8,014,697, G deleted; the last of 3 consecutive G bases (chr17:8,014,695-8,014,697); deleting any one gives the same sequence. VCF-style (leftmost placement, unchanged base first): chr17-8014694-CG-C. GRCh37 (hg19) VCF-style: chr17-7918012-CG-C.
Other names: short protein forms E837fs.
Identifiers: ClinVar variation 2946043 (VCV002946043.3), dbSNP rs2545426022, ClinGen allele CA2576160439.